The following is an entry in ClinVar:

ClinVar aggregate classification (germline): Uncertain significance. Review status: criteria provided, multiple submitters, no conflicts (2 of 4 stars). 2 submissions from 2 submitters: Uncertain significance (2). Last evaluated 2022-09-01.

Conditions:
Spastic ataxia 2. Also called: Ataxia, spastic, 2, autosomal recessive. Identifiers: Orphanet 397946, MedGen C1969796, MONDO:0012651, OMIM 611302.

Allele frequency attached by ClinVar (database versions not stated): gnomAD exomes 0.00001; TOPMed 0.00001; gnomAD 0.00002.
gnomAD v4.1: 24 of 1,613,548 alleles (0.0015%); highest among the groups gnomAD compares: Middle Eastern, 0.066%; no homozygotes.

Submissions (2):

CeGaT Center for Human Genetics Tuebingen
Classification: Uncertain significance. Last evaluated: 2022-09-01. Review status: criteria provided, single submitter. Criteria: CeGaT Center For Human Genetics Tuebingen Variant Classification Criteria Version 2. Collection method: clinical testing. Allele origin: germline. Affected: yes. Observed: 1 variant allele.
Comment: KIF1C: PM2, BP4

Labcorp Genetics (formerly Invitae), Labcorp
Classification: Uncertain significance for Spastic ataxia 2. Last evaluated: 2022-06-16. Review status: criteria provided, single submitter. Criteria: Invitae Variant Classification Sherloc (09022015). Collection method: clinical testing. Allele origin: germline.
Comment: This sequence change falls in intron 15 of the KIF1C gene. It does not directly change the encoded amino acid sequence of the KIF1C protein. This variant is present in population databases (no rsID available, gnomAD 0.004%). This variant has not been reported in the literature in individuals affected with KIF1C-related conditions. Algorithms developed to predict the effect of sequence changes on RNA splicing suggest that this variant may create or strengthen a splice site. In summary, the available evidence is currently insufficient to determine the role of this variant in disease. Therefore, it has been classified as a Variant of Uncertain Significance.

NM_006612.6(KIF1C):c.1415+8G>T

Gene: KIF1C (kinesin family member 1C; plus strand). Cytogenetic location: 17p13.2.
Variant type: single nucleotide variant.
Coding change: c.1415+8G>T on transcript NM_006612.6 (MANE Select); 8 bases into the intron after coding-DNA position 1415, G replaced by T.
Molecular consequence: intron variant.
Genome position (GRCh38, 1-based): chr17:5,007,350, G>T. VCF-style: chr17-5007350-G-T. GRCh37 (hg19) VCF-style: chr17-4910645-G-T.
Identifiers: ClinVar variation 1711424 (VCV001711424.32), dbSNP rs1347107617, ClinGen allele CA624857580.